The following is an entry in ClinVar:

NM_001267550.2(TTN):c.63554T>C (p.Ile21185Thr)

Genes: TTN (titin; minus strand), TTN-AS1 (TTN antisense RNA 1; plus strand). Cytogenetic location: 2q31.2.
Variant type: single nucleotide variant.
Coding change: c.63554T>C on transcript NM_001267550.2 (MANE Select); coding-DNA position 63554, T replaced by C.
Protein change: p.Ile21185Thr; replaces isoleucine 21185 with threonine.
Molecular consequence: missense variant.
Genome position (GRCh38, 1-based): chr2:178,587,755, A>G on the plus strand (T>C on the coding strand, the complement: TTN is on the minus strand). VCF-style: chr2-178587755-A-G. GRCh37 (hg19) VCF-style: chr2-179452482-A-G.
Other names: p.I19544T:ATA>ACA; c.58631T>C, p.Ile19544Thr (NM_001256850.1); c.36359T>C, p.Ile12120Thr (NM_003319.4); c.55850T>C, p.Ile18617Thr (NM_133378.4); c.36734T>C, p.Ile12245Thr (NM_133432.3); c.36935T>C, p.Ile12312Thr (NM_133437.4); short protein forms I19544T, I21185T, I12245T, I12312T, I18617T, I12120T.
Identifiers: ClinVar variation 202775 (VCV000202775.3), dbSNP rs794729473, ClinGen allele CA310249.

ClinVar aggregate classification (germline): Uncertain significance. Review status: criteria provided, multiple submitters, no conflicts (2 of 4 stars). 2 submissions from 2 submitters: Uncertain significance (2). Last evaluated 2014-05-28.

Allele frequency attached by ClinVar (database versions not stated): gnomAD exomes below 0.00001.
gnomAD v4.1: 2 of 1,610,344 alleles (0.00012%); highest among the groups gnomAD compares: South Asian, 0.0011%; no homozygotes.

Submissions (2):

GeneDx
Classification: Uncertain significance. Last evaluated: 2014-05-28. Review status: criteria provided, single submitter. Criteria: GeneDx Variant Classification (06012015). Collection method: clinical testing. Allele origin: germline. Affected: yes.
Comment: Missense variants in the TTN gene are considered 'unclassified' if they are not previously reported in the literature and do not have >1% frequency in the population to be considered a polymorphism. Research indicates that truncating mutations in the TTN gene are expected to account for approximately 25% of familial and 18% of sporadic idiopathic DCM; however, truncating variants in the TTN gene have been reported in approximately 3% of reported control alleles. There has been little investigation into non-truncating variants. (Herman D et al. Truncations of titin causing dilated cardiomyopathy. N Eng J Med 366:619-628, 2012) The variant is found in CARDIOMYOPATHY panel(s).

Breakthrough Genomics
Classification: Uncertain significance. Review status: criteria provided, single submitter. Criteria: ACMG Guidelines, 2015. Collection method: not provided. Allele origin: germline. Inheritance: Autosomal recessive inheritance. Affected: yes.